The following is an entry in ClinVar:

ClinVar aggregate classification (germline): Conflicting classifications of pathogenicity. Review status: criteria provided, conflicting classifications (1 of 4 stars). 2 submissions from 2 submitters: Uncertain significance (1); Likely benign (1). Last evaluated 2025-10-04.

Allele frequency attached by ClinVar (database versions not stated): 1000 Genomes Project 0.00040; ExAC 0.00013; gnomAD exomes 0.00004 and 0.00011; gnomAD 0.00038 and 0.00041; TOPMed 0.00040; ESP Exome Variant Server 0.00023; 1000 Genomes Project 30x 0.00062.
gnomAD v4.1: 123 of 1,613,670 alleles (0.0076%); highest among the groups gnomAD compares: African/African-American, 0.14%; no homozygotes.

Submissions (2):

Labcorp Genetics (formerly Invitae), Labcorp
Classification: Likely benign. Last evaluated: 2025-10-04. Review status: criteria provided, single submitter. Criteria: Invitae Variant Classification Sherloc (09022015). Collection method: clinical testing. Allele origin: germline.

GeneDx
Classification: Uncertain significance. Last evaluated: 2020-10-01. Review status: criteria provided, single submitter. Criteria: GeneDx Variant Classification Process June 2021. Collection method: clinical testing. Allele origin: germline. Affected: yes.
Comment: In silico analysis supports that this missense variant does not alter protein structure/function; Has not been previously published as pathogenic or benign to our knowledge

NM_003737.4(DCHS1):c.1504C>G (p.Gln502Glu)

Gene: DCHS1 (dachsous cadherin-related 1; minus strand). Cytogenetic location: 11p15.4.
Variant type: single nucleotide variant.
Coding change: c.1504C>G on transcript NM_003737.4 (MANE Select); coding-DNA position 1504, C replaced by G.
Protein change: p.Gln502Glu; replaces glutamine 502 with glutamic acid.
Molecular consequence: missense variant.
Genome position (GRCh38, 1-based): chr11:6,640,110, G>C on the plus strand (C>G on the coding strand, the complement: DCHS1 is on the minus strand). VCF-style: chr11-6640110-G-C. GRCh37 (hg19) VCF-style: chr11-6661341-G-C.
Other names: short protein forms Q502E.
Identifiers: ClinVar variation 1207764 (VCV001207764.5), dbSNP rs142632567, ClinGen allele CA5860954.